The following is an entry in ClinVar:

NM_005228.5(EGFR):c.3442A>G (p.Asn1148Asp)

Gene: EGFR (epidermal growth factor receptor; plus strand). Cytogenetic location: 7p11.2.
Variant type: single nucleotide variant.
Coding change: c.3442A>G on transcript NM_005228.5 (MANE Select); coding-DNA position 3442, A replaced by G.
Protein change: p.Asn1148Asp; replaces asparagine 1148 with aspartic acid.
Molecular consequence: missense variant.
Genome position (GRCh38, 1-based): chr7:55,205,426, A>G. VCF-style: chr7-55205426-A-G. GRCh37 (hg19) VCF-style: chr7-55273119-A-G.
Other names: c.3307A>G, p.Asn1103Asp (NM_001346899.2); c.3283A>G, p.Asn1095Asp (NM_001346900.2); c.2641A>G, p.Asn881Asp (NM_001346941.2); short protein forms N1095D, N1103D, N1148D, N881D.
Identifiers: ClinVar variation 1016162 (VCV001016162.8), dbSNP rs1788070724, ClinGen allele CA367584626.

ClinVar aggregate classification (germline): Uncertain significance (1 of 4 stars; one submission).

Conditions:
EGFR-related lung cancer (EGFR). Identifiers: MedGen CN130014.

Allele frequency attached by ClinVar (database versions not stated): TOPMed below 0.00001.

Submission:

Labcorp Genetics (formerly Invitae), Labcorp
Classification: Uncertain significance for EGFR-related lung cancer. Last evaluated: 2024-01-21. Review status: criteria provided, single submitter. Criteria: Invitae Variant Classification Sherloc (09022015). Collection method: clinical testing. Allele origin: germline.
Comment: This sequence change replaces asparagine, which is neutral and polar, with aspartic acid, which is acidic and polar, at codon 1148 of the EGFR protein (p.Asn1148Asp). This variant is not present in population databases (gnomAD no frequency). This variant has not been reported in the literature in individuals affected with EGFR-related conditions. ClinVar contains an entry for this variant (Variation ID: 1016162). An algorithm developed to predict the effect of missense changes on protein structure and function (PolyPhen-2) suggests that this variant is likely to be tolerated. In summary, the available evidence is currently insufficient to determine the role of this variant in disease. Therefore, it has been classified as a Variant of Uncertain Significance.